The following is an entry in ClinVar:

NM_007194.4(CHEK2):c.1513T>A (p.Ser505Thr)

Gene: CHEK2 (checkpoint kinase 2; minus strand). Cytogenetic location: 22q12.1.
Variant type: single nucleotide variant.
Coding change: c.1513T>A on transcript NM_007194.4 (MANE Select); coding-DNA position 1513, T replaced by A.
Protein change: p.Ser505Thr; replaces serine 505 with threonine.
Molecular consequence: missense variant.
Genome position (GRCh38, 1-based): chr22:28,689,164, A>T on the plus strand (T>A on the coding strand, the complement: CHEK2 is on the minus strand). VCF-style: chr22-28689164-A-T. GRCh37 (hg19) VCF-style: chr22-29085152-A-T.
Other names: p.S505T:TCC>ACC; c.1642T>A, p.Ser548Thr (NM_001005735.3); c.850T>A, p.Ser284Thr (NM_001257387.3); c.1312T>A, p.Ser438Thr (NM_001349956.3); c.1426T>A, p.Ser476Thr (NM_145862.3); short protein forms S505T, S284T, S438T, S476T, S548T.
Identifiers: ClinVar variation 182441 (VCV000182441.37), dbSNP rs587781960, ClinGen allele CA299094.
Genomic context (GRCh38, chr22:28,689,164, plus strand): 5'-TACATTTAGTGATCATCAGGAATACGAATACCTGGGCTAGAACCTGGGGTAGAGCTGTGG[A>T]TTCATTTTCCTCAGACAGAAGATCTTGAAACTTTCTCTTCATGTCTTCATCCTGTGAGGG-3'
Protein context (NP_009125.1, residues 495-515): FQDLLSEENE[Ser505Thr]TALPQVLAQP

ClinVar aggregate classification (germline): Conflicting classifications of pathogenicity. Review status: criteria provided, conflicting classifications (1 of 4 stars). 8 submissions from 8 submitters: Uncertain significance (2); Likely benign (6). Last evaluated 2026-01-29.

Conditions:
Hereditary cancer-predisposing syndrome. Also called: Tumor predisposition; Hereditary Cancer Syndrome; Hereditary neoplastic syndrome; Neoplastic Syndromes, Hereditary. Identifiers: Orphanet 140162, MedGen C0027672, MeSH D009386, MONDO:0015356.
Hereditary breast ovarian cancer syndrome. Also called: Breast and ovarian cancer; Hereditary breast and ovarian cancer; Hereditary breast and/or ovarian cancer syndrome; BRCA1- and BRCA2-Associated Hereditary Breast and Ovarian Cancer; Hereditary breast and ovarian cancer syndrome (HBOC); Hereditary breast and ovarian cancer syndrome. Identifiers: Orphanet 145, MedGen C0677776, MeSH D061325, MONDO:0003582. Disease mechanism: loss of function.
Familial cancer of breast. Also called: BREAST CANCER, FAMILIAL; Hereditary breast cancer; hereditary breast carcinoma. Identifiers: Orphanet 227535, MedGen C0346153, MONDO:0016419, OMIM 114480. Disease mechanism: loss of function.

Allele frequency attached by ClinVar (database versions not stated): ExAC 0.00004; TOPMed 0.00004.
gnomAD v4.1: 44 of 1,595,378 alleles (0.0028%); highest among the groups gnomAD compares: East Asian, 0.078%; no homozygotes.

Submissions (8):

Labcorp Genetics (formerly Invitae), Labcorp
Classification: Likely benign for Familial cancer of breast. Last evaluated: 2026-01-29. Review status: criteria provided, single submitter. Criteria: Invitae Variant Classification Sherloc (09022015). Collection method: clinical testing. Allele origin: germline.

GeneDx
Classification: Uncertain significance. Last evaluated: 2025-07-09. Review status: criteria provided, single submitter. Criteria: GeneDx Variant Classification Process June 2021. Collection method: clinical testing. Allele origin: germline. Affected: yes.
Comment: Observed in individuals with breast or colorectal cancer, but also in unaffected controls (PMID: 25186627, 30287823, 28580595, 33309985, 33471991); Not observed at significant frequency in large population cohorts (gnomAD); In silico analysis suggests that this missense variant does not alter protein structure/function; Also known as c.1642T>A p.(S548T); This variant is associated with the following publications: (PMID: 15942682, 25186627, 28580595, 30287823, 32566746, 33309985, 36243179, 33939675, 36896836, 33471991, 37449874, 30851065)

Quest Diagnostics Nichols Institute San Juan Capistrano
Classification: Likely benign. Last evaluated: 2025-01-16. Review status: criteria provided, single submitter. Criteria: Quest Diagnostics criteria. Collection method: clinical testing. Allele origin: unknown.

Sema4
Classification: Likely benign for Hereditary cancer-predisposing syndrome. Last evaluated: 2021-08-04. Review status: criteria provided, single submitter. Criteria: Sema4 Curation Guidelines. Collection method: curation. Allele origin: germline.

Women's Health and Genetics/Laboratory Corporation of America, LabCorp
Classification: Likely benign. Last evaluated: 2021-06-07. Review status: criteria provided, single submitter. Criteria: LabCorp Variant Classification Summary - May 2015. Collection method: clinical testing. Allele origin: germline.
Comment: Variant summary: CHEK2 c.1513T>A (p.Ser505Thr) results in a conservative amino acid change in the encoded protein sequence. Five of five in-silico tools predict a benign effect of the variant on protein function. The variant allele was found at a frequency of 0.00023 in 281104 control chromosomes, predominantly at a frequency of 0.00083 within the East Asian subpopulation in the gnomAD database. The observed variant frequency within East Asian control individuals in the gnomAD database is approximately 2.7 fold of the estimated maximal expected allele frequency for a pathogenic variant in CHEK2 causing Hereditary Breast And Ovarian Cancer Syndrome phenotype (0.00031), strongly suggesting that the variant is a benign polymorphism found primarily in populations of East Asian origin. While CHEK2 does have highly homologous pseudogenes, the surrounding region of the variant appears to be unaffected by pseudogene interference via BLAT search. c.1513T>A has been reported in the literature in case control cohorts of Japanese individuals affected with breast cancer and in ethnicity matched unaffected controls (example, Momozawa_2018, Fujita_2020) as well as in settings of multigene panel testing for breast cancer (example, Tung_2015). One of these publications has recently reported a final clinical significance for this variant as "benign" using the ACMG/AMP guidelines (Fujita_2020). Therefore, these report(s) do not provide unequivocal conclusions about association of the variant with Hereditary Breast And Ovarian Cancer Syndrome. At least one publication reports experimental evidence evaluating an impact on protein function. These results showed no damaging effect of this variant in a yeast based experimental system evaluating the ability to resume cell growth and proliferation by repair of methyl-methanesulfonate (MMS) induced DNA damage (Delimitsou_2019). Six clinical diagnostic laboratories have submitted clinical-significance assessments for this variant to ClinVar after 2014 without evidence for independent evaluation. All laboratories classified the variant as uncertain significance. Some submitters cite overlapping evidence utilized in the context of this evaluation. Based on the evidence outlined above, the variant was classified as likely benign.

Ambry Genetics
Classification: Likely benign for Hereditary cancer-predisposing syndrome. Last evaluated: 2021-05-18. Review status: criteria provided, single submitter. Criteria: Ambry Variant Classification Scheme 2023. Collection method: clinical testing. Allele origin: germline.

Color Diagnostics, LLC DBA Color Health
Classification: Likely benign for Hereditary cancer-predisposing syndrome. Last evaluated: 2020-10-27. Review status: criteria provided, single submitter. Criteria: ACMG Guidelines, 2015. Collection method: clinical testing. Allele origin: germline.

Cancer Genomics Group, Japanese Foundation For Cancer Research
Classification: Uncertain significance for Hereditary breast and ovarian cancer syndrome. Last evaluated: 2019-05-01. Review status: criteria provided, single submitter. Criteria: ACMG Guidelines, 2015. Collection method: research. Allele origin: germline. Affected: yes.

Literature cited by the submitters: PubMed 30851065 (cited by 3 submitters); PubMed 25186627 (cited by 3 submitters); PubMed 15942682 (cited by Quest Diagnostics Nichols Institute San Juan Capistrano); PubMed 28580595 (cited by Quest Diagnostics Nichols Institute San Juan Capistrano and Women's Health and Genetics/Laboratory Corporation of America, LabCorp); PubMed 30287823 (cited by 3 submitters); PubMed 33471991 (cited by Quest Diagnostics Nichols Institute San Juan Capistrano); PubMed 33309985 (cited by Quest Diagnostics Nichols Institute San Juan Capistrano and Women's Health and Genetics/Laboratory Corporation of America, LabCorp).